The following is an entry in ClinVar:

NM_000257.4(MYH7):c.1058C>T (p.Thr353Ile)

Gene: MYH7 (myosin heavy chain 7; minus strand). Cytogenetic location: 14q11.2.
Variant type: single nucleotide variant.
Coding change: c.1058C>T on transcript NM_000257.4 (MANE Select); coding-DNA position 1058, C replaced by T.
Protein change: p.Thr353Ile; replaces threonine 353 with isoleucine.
Molecular consequence: missense variant.
Genome position (GRCh38, 1-based): chr14:23,429,855, G>A on the plus strand (C>T on the coding strand, the complement: MYH7 is on the minus strand). VCF-style: chr14-23429855-G-A. GRCh37 (hg19) VCF-style: chr14-23899064-G-A.
Other names: short protein forms T353I.
Identifiers: ClinVar variation 1000247 (VCV001000247.6), dbSNP rs1892855882, ClinGen allele CA389051448.
Genomic context (GRCh38, chr14:23,429,855, plus strand): 5'-GCCTGCTCCTCCCGCTGCTTCAGCTTGAACTTCATGTTTCCAAAGTGCATGATGGCGCCT[G>A]TCAGCTTATACATGGAGTTTTTCTCCTCTGAAGTGAAGCCCAGCACATCAAAAGCGTTCT-3'
Protein context (NP_000248.2, residues 343-363): SEEKNSMYKL[Thr353Ile]GAIMHFGNMK

ClinVar aggregate classification (germline): Uncertain significance (1 of 4 stars; one submission).

Conditions:
Hypertrophic cardiomyopathy. Also called: HYPERTROPHIC MYOCARDIOPATHY. Identifiers: Orphanet 217569, MedGen C0007194, MeSH D002312, MONDO:0005045, HP:0001639.

Submission:

Labcorp Genetics (formerly Invitae), Labcorp
Classification: Uncertain significance for Hypertrophic cardiomyopathy. Last evaluated: 2021-08-17. Review status: criteria provided, single submitter. Criteria: Invitae Variant Classification Sherloc (09022015). Collection method: clinical testing. Allele origin: germline.
Comment: This variant is found within a region of MYH7 between codons 181 and 937 that contains the majority of the myosin head domain. Missense variants in this region have been shown to be significantly overrepresented in individuals with hypertrophic cardiomyopathy (PMID: 27532257). In summary, the available evidence is currently insufficient to determine the role of this variant in disease. Therefore, it has been classified as a Variant of Uncertain Significance. Algorithms developed to predict the effect of missense changes on protein structure and function are either unavailable or do not agree on the potential impact of this missense change (SIFT: "Deleterious"; PolyPhen-2: "Possibly Damaging"; Align-GVGD: "Class C0"). This missense change has been observed in individual(s) with MYH7-related disease (Invitae). This variant is not present in population databases (ExAC no frequency). This sequence change replaces threonine with isoleucine at codon 353 of the MYH7 protein (p.Thr353Ile). The threonine residue is highly conserved and there is a moderate physicochemical difference between threonine and isoleucine.

Literature cited by the submitters: PubMed 27532257.